The following is an entry in ClinVar:

ClinVar aggregate classification (germline): Benign. Review status: criteria provided, multiple submitters, no conflicts (2 of 4 stars). 8 submissions from 8 submitters: Benign (6). 2 of the submissions do not count toward it. Last evaluated 2026-02-02.

Conditions:
Cerebral cavernous malformation 2. Also called: Familial Cerebral Cavernous Malformation 2. Identifiers: Orphanet 221061, MedGen C1864041, MONDO:0011304, OMIM 603284.

Allele frequency attached by ClinVar (database versions not stated): ESP Exome Variant Server 0.00123; gnomAD exomes 0.00407 and 0.01728; gnomAD 0.00694 and 0.00751; TOPMed 0.01301; ExAC 0.01309; 1000 Genomes Project 0.01797; 1000 Genomes Project 30x 0.01968.
gnomAD v4.1: 7,058 of 1,613,166 alleles (0.44%); highest among the groups gnomAD compares: Admixed American, 9.8%; 437 homozygotes.

Submissions (8):

Labcorp Genetics (formerly Invitae), Labcorp
Classification: Benign for Cerebral cavernous malformation 2. Last evaluated: 2026-02-02. Review status: criteria provided, single submitter. Criteria: Invitae Variant Classification Sherloc (09022015). Collection method: clinical testing. Allele origin: germline.

ARUP Laboratories, Molecular Genetics and Genomics, ARUP Laboratories
Classification: Benign for Cerebral cavernous malformation 2. Last evaluated: 2025-06-12. Review status: criteria provided, single submitter. Criteria: ARUP Molecular Germline Variant Investigation Process 2024. Collection method: clinical testing. Allele origin: germline.

Athena Diagnostics
Classification: Benign. Last evaluated: 2024-06-24. Review status: criteria provided, single submitter. Criteria: Athena Diagnostics Criteria. Collection method: clinical testing. Allele origin: unknown.

Mayo Clinic Laboratories, Mayo Clinic
Classification: Benign. Last evaluated: 2023-07-24. Review status: criteria provided, single submitter. Criteria: ACMG Guidelines, 2015. Collection method: clinical testing. Allele origin: germline. Observed: 31 variant alleles.
Comment: BA1, BS2, BP4

PreventionGenetics, part of Exact Sciences
Classification: Benign. Last evaluated: 2016-07-18. Review status: criteria provided, single submitter. Criteria: ACMG Guidelines, 2015. Collection method: clinical testing. Allele origin: germline.

GeneDx
Classification: Benign. Last evaluated: 2015-03-03. Review status: criteria provided, single submitter. Criteria: GeneDx Variant Classification Process June 2021. Collection method: clinical testing. Allele origin: germline. Affected: yes.
Comment: This variant is associated with the following publications: (PMID: 28655553)

Clinical Genetics DNA and cytogenetics Diagnostics Lab, Erasmus MC, Erasmus Medical Center
Classification: Likely benign. Review status: no assertion criteria provided. Collection method: clinical testing. Allele origin: germline. Affected: yes. Study: VKGL Data-share Consensus. Not counted in ClinVar's aggregate classification.

Clinical Genetics, Academic Medical Center
Classification: Benign. Review status: no assertion criteria provided. Collection method: clinical testing. Allele origin: germline. Affected: yes. Study: VKGL Data-share Consensus. Not counted in ClinVar's aggregate classification.

Literature cited by the submitters: PubMed 28655553 (cited by Athena Diagnostics and Mayo Clinic Laboratories, Mayo Clinic).

NM_031443.4(CCM2):c.866G>A (p.Ser289Asn)

Gene: CCM2 (CCM2 scaffold protein; plus strand). Cytogenetic location: 7p13.
Variant type: single nucleotide variant.
Coding change: c.866G>A on transcript NM_031443.4 (MANE Select); coding-DNA position 866, G replaced by A.
Protein change: p.Ser289Asn; replaces serine 289 with asparagine.
Molecular consequence: missense variant. On other transcripts: non-coding transcript variant (1).
Genome position (GRCh38, 1-based): chr7:45,073,522, G>A. VCF-style: chr7-45073522-G-A. GRCh37 (hg19) VCF-style: chr7-45113121-G-A.
Other names: c.929G>A, p.Ser310Asn (NM_001029835.2); c.692G>A, p.Ser231Asn (NM_001167934.2); c.593G>A, p.Ser198Asn (NM_001167935.2); c.989G>A, p.Ser330Asn (NM_001363458.2); c.815G>A, p.Ser272Asn (NM_001363459.2); short protein forms S289N, S310N, S198N, S272N, S231N, S330N.
Identifiers: ClinVar variation 261974 (VCV000261974.27), dbSNP rs2289366, ClinGen allele CA4247164.
Genomic context (GRCh38, chr7:45,073,522, plus strand): 5'-GCTTCCCTGAATCTGTGGATGTGGGTGGTGCATCACCCCACAGCAAGACCATCAGTGAGA[G>A]CGAGCTGAGCGCCAGCGCCACTGAGCTGCTGCAGGACTACATGCTGACGGTAGGCCTCCG-3'
Protein context (NP_113631.1, residues 279-299): ASPHSKTISE[Ser289Asn]ELSASATELL